The following is an entry in ClinVar:

NM_000095.3(COMP):c.1131C>G (p.Gly377=)

Gene: COMP (cartilage oligomeric matrix protein; minus strand). Cytogenetic location: 19p13.11.
Variant type: single nucleotide variant.
Coding change: c.1131C>G on transcript NM_000095.3 (MANE Select); coding-DNA position 1131, C replaced by G.
Protein change: p.Gly377=; no amino-acid change (glycine 377 retained).
Molecular consequence: synonymous variant.
Genome position (GRCh38, 1-based): chr19:18,787,495, G>C on the plus strand (C>G on the coding strand, the complement: COMP is on the minus strand). VCF-style: chr19-18787495-G-C. GRCh37 (hg19) VCF-style: chr19-18898304-G-C.
Identifiers: ClinVar variation 3610454 (VCV003610454.2).

ClinVar aggregate classification (germline): Uncertain significance (1 of 4 stars; one submission).

gnomAD v4.1: 2 of 1,611,810 alleles (0.00012%); highest among the groups gnomAD compares: South Asian, 0.0011%; no homozygotes.

Submission:

Labcorp Genetics (formerly Invitae), Labcorp
Classification: Uncertain significance. Last evaluated: 2024-02-11. Review status: criteria provided, single submitter. Criteria: Invitae Variant Classification Sherloc (09022015). Collection method: clinical testing. Allele origin: germline.
Comment: This sequence change affects codon 377 of the COMP mRNA. It is a 'silent' change, meaning that it does not change the encoded amino acid sequence of the COMP protein. This variant is present in population databases (rs765277476, gnomAD 0.003%). This variant has not been reported in the literature in individuals affected with COMP-related conditions. Algorithms developed to predict the effect of sequence changes on RNA splicing suggest that this variant may disrupt the consensus splice site. In summary, the available evidence is currently insufficient to determine the role of this variant in disease. Therefore, it has been classified as a Variant of Uncertain Significance.